The following is an entry in ClinVar:

ClinVar aggregate classification (germline): Uncertain significance (1 of 4 stars; one submission).

Allele frequency attached by ClinVar (database versions not stated): gnomAD 0.00001; gnomAD exomes 0.00001; TOPMed 0.00001; ExAC 0.00002.
gnomAD v4.1: 20 of 1,613,484 alleles (0.0012%); highest among the groups gnomAD compares: Non-Finnish European, 0.0017%; no homozygotes.

Submission:

Labcorp Genetics (formerly Invitae), Labcorp
Classification: Uncertain significance. Last evaluated: 2024-05-06. Review status: criteria provided, single submitter. Criteria: Invitae Variant Classification Sherloc (09022015). Collection method: clinical testing. Allele origin: germline.
Comment: This sequence change replaces glutamic acid, which is acidic and polar, with glutamine, which is neutral and polar, at codon 129 of the MPLKIP protein (p.Glu129Gln). This variant is present in population databases (rs754077410, gnomAD 0.002%). This variant has not been reported in the literature in individuals affected with MPLKIP-related conditions. ClinVar contains an entry for this variant (Variation ID: 1986671). An algorithm developed to predict the effect of missense changes on protein structure and function (PolyPhen-2) suggests that this variant is likely to be disruptive. In summary, the available evidence is currently insufficient to determine the role of this variant in disease. Therefore, it has been classified as a Variant of Uncertain Significance.

NM_138701.4(MPLKIP):c.385G>C (p.Glu129Gln)

Gene: MPLKIP (M-phase specific PLK1 interacting protein; minus strand). Cytogenetic location: 7p14.1.
Variant type: single nucleotide variant.
Coding change: c.385G>C on transcript NM_138701.4 (MANE Select); coding-DNA position 385, G replaced by C.
Protein change: p.Glu129Gln; replaces glutamic acid 129 with glutamine.
Molecular consequence: missense variant.
Genome position (GRCh38, 1-based): chr7:40,133,214, C>G on the plus strand (G>C on the coding strand, the complement: MPLKIP is on the minus strand). VCF-style: chr7-40133214-C-G. GRCh37 (hg19) VCF-style: chr7-40172813-C-G.
Other names: short protein forms E129Q.
Identifiers: ClinVar variation 1986671 (VCV001986671.2), dbSNP rs754077410, ClinGen allele CA4229181.
Genomic context (GRCh38, chr7:40,133,214, plus strand): 5'-AAGGATCTTCAAGCATTGAAGGCTTGAAATAATTTTCCAACTCATTAGACATTCTTTTTT[C>G]TCTAACACGCCCTGATCCAAATGGTGTAGATGTCCTTGGAGAACCCTTTAGAAAAAAAAT-3'
Protein context (NP_619646.1, residues 119-139): STPFGSGRVR[Glu129Gln]KRMSNELENY